The following is an entry in ClinVar:

ClinVar aggregate classification (germline): Uncertain significance (1 of 4 stars; one submission).

gnomAD v4.1: 196 of 1,614,138 alleles (0.012%); highest among the groups gnomAD compares: African/African-American, 0.24%; no homozygotes.

Submission:

Labcorp Genetics (formerly Invitae), Labcorp
Classification: Uncertain significance. Last evaluated: 2024-02-06. Review status: criteria provided, single submitter. Criteria: Invitae Variant Classification Sherloc (09022015). Collection method: clinical testing. Allele origin: germline.
Comment: This sequence change replaces aspartic acid, which is acidic and polar, with glycine, which is neutral and non-polar, at codon 2277 of the IGSF10 protein (p.Asp2277Gly). This variant is present in population databases (rs150554446, gnomAD 0.2%), and has an allele count higher than expected for a pathogenic variant. This missense change has been observed in individual(s) with normosmic congenital hypogonadotropic hypogonadism (PMID: 31200363). Algorithms developed to predict the effect of missense changes on protein structure and function output the following: SIFT: "Not Available"; PolyPhen-2: "Benign"; Align-GVGD: "Not Available". The glycine amino acid residue is found in multiple mammalian species, which suggests that this missense change does not adversely affect protein function. In summary, the available evidence is currently insufficient to determine the role of this variant in disease. Therefore, it has been classified as a Variant of Uncertain Significance.

Literature cited by the submitters: PubMed 31200363.

NM_178822.5(IGSF10):c.6830A>G (p.Asp2277Gly)

Gene: IGSF10 (immunoglobulin superfamily member 10; minus strand). Cytogenetic location: 3q25.1.
Variant type: single nucleotide variant.
Coding change: c.6830A>G on transcript NM_178822.5 (MANE Select); coding-DNA position 6830, A replaced by G.
Protein change: p.Asp2277Gly; replaces aspartic acid 2277 with glycine.
Molecular consequence: missense variant.
Genome position (GRCh38, 1-based): chr3:151,437,731, T>C on the plus strand (A>G on the coding strand, the complement: IGSF10 is on the minus strand). VCF-style: chr3-151437731-T-C. GRCh37 (hg19) VCF-style: chr3-151155519-T-C.
Other names: c.767A>G, p.Asp256Gly (NM_001178145.3, NM_001178146.3); c.6830A>G, p.Asp2277Gly (NM_001385060.1, NM_001385061.1, NM_001385062.1 and 1 more transcripts); short protein forms D2277G, D256G.
Identifiers: ClinVar variation 3631140 (VCV003631140.2).
Genomic context (GRCh38, chr3:151,437,731, plus strand): 5'-GTTCCATTTTTATGGACTGTGATTCTGCTTCCATAGTATGGGGCTGTGAGGAAAATATTG[T>C]CTGGCATGATCCACATGACTTCAGGAGATGGTGTCCCTTCAGCTCTGCAGTCAAAGTGTT-3'
Protein context (NP_849144.2, residues 2267-2287): PSPEVMWIMP[Asp2277Gly]NIFLTAPYYG